The following is an entry in ClinVar:

ClinVar aggregate classification (germline): Uncertain significance (1 of 4 stars; one submission).

Submission:

Labcorp Genetics (formerly Invitae), Labcorp
Classification: Uncertain significance. Last evaluated: 2022-07-12. Review status: criteria provided, single submitter. Criteria: Invitae Variant Classification Sherloc (09022015). Collection method: clinical testing. Allele origin: germline.
Comment: In summary, the available evidence is currently insufficient to determine the role of this variant in disease. Therefore, it has been classified as a Variant of Uncertain Significance. This variant has not been reported in the literature in individuals affected with EYS-related conditions. This variant results in a copy number gain of the genomic region encompassing exon(s) 4-5 of the EYS gene. This region includes the initiator codon of the gene. This copy number gain extends beyond the assayed region for this gene and therefore may encompass additional genes. As the precise location of this event is unknown, it may be in tandem or it may be located elsewhere in the genome.

NC_000006.12:g.(?_65490594)_(65495410_?)dup

Gene: EYS (eyes shut homolog; minus strand). Cytogenetic location: 6q12.
Variant type: Duplication.
Identifiers: ClinVar variation 831661 (VCV000831661.7).